The following is an entry in ClinVar:

ClinVar aggregate classification (germline): Uncertain significance (1 of 4 stars; one submission).

Submission:

Labcorp Genetics (formerly Invitae), Labcorp
Classification: Uncertain significance. Last evaluated: 2022-07-14. Review status: criteria provided, single submitter. Criteria: Invitae Variant Classification Sherloc (09022015). Collection method: clinical testing. Allele origin: germline.
Comment: This sequence change replaces aspartic acid, which is acidic and polar, with glycine, which is neutral and non-polar, at codon 1736 of the DMXL2 protein (p.Asp1736Gly). In summary, the available evidence is currently insufficient to determine the role of this variant in disease. Therefore, it has been classified as a Variant of Uncertain Significance. Algorithms developed to predict the effect of sequence changes on RNA splicing suggest that this variant may create or strengthen a splice site. Algorithms developed to predict the effect of missense changes on protein structure and function (SIFT, PolyPhen-2, Align-GVGD) all suggest that this variant is likely to be disruptive. This variant has not been reported in the literature in individuals affected with DMXL2-related conditions. This variant is not present in population databases (gnomAD no frequency).

NM_001378457.1(DMXL2):c.5207A>G (p.Asp1736Gly)

Gene: DMXL2 (Dmx like 2; minus strand). Cytogenetic location: 15q21.2.
Variant type: single nucleotide variant.
Coding change: c.5207A>G on transcript NM_001378457.1 (MANE Select); coding-DNA position 5207, A replaced by G.
Protein change: p.Asp1736Gly; replaces aspartic acid 1736 with glycine.
Molecular consequence: missense variant. On other transcripts: non-coding transcript variant (2).
Genome position (GRCh38, 1-based): chr15:51,487,964, T>C on the plus strand (A>G on the coding strand, the complement: DMXL2 is on the minus strand). VCF-style: chr15-51487964-T-C. GRCh37 (hg19) VCF-style: chr15-51780161-T-C.
Other names: c.5207A>G, p.Asp1736Gly (NM_001174116.3, NM_001378458.1, NM_001378459.1 and 4 more transcripts); c.3299A>G, p.Asp1100Gly (NM_001174117.3); c.3188A>G, p.Asp1063Gly (NM_001378460.1); c.4967A>G, p.Asp1656Gly (NM_001378464.1); short protein forms D1656G, D1736G, D1063G, D1100G.
Identifiers: ClinVar variation 2016976 (VCV002016976.4), dbSNP rs2548473368, ClinGen allele CA392427421.